The following is an entry in ClinVar:

ClinVar aggregate classification (germline): Conflicting classifications of pathogenicity. Review status: criteria provided, conflicting classifications (1 of 4 stars). 2 submissions from 2 submitters: Uncertain significance (1); Benign (1). Last evaluated 2026-01-05.

Conditions:
Developmental and epileptic encephalopathy, 1 (DEE1). Also called: Epileptic encephalopathy, early infantile, 1; X-linked infantile spasms; West's syndrome; Tonic spasms with clustering, arrest of psychomotor development and hypsarrhythmia on EEG; X-Linked Infantile Spasm Syndrome; INFANTILE SPASM SYNDROME, X-LINKED 1. Identifiers: MedGen C3463992, MONDO:0010632, OMIM 308350. Disease mechanism: loss of function.

Allele frequency attached by ClinVar (database versions not stated): TOPMed below 0.00001; gnomAD exomes 0.00001.

Submissions (2):

Labcorp Genetics (formerly Invitae), Labcorp
Classification: Benign. Last evaluated: 2026-01-05. Review status: criteria provided, single submitter. Criteria: Invitae Variant Classification Sherloc (09022015). Collection method: clinical testing. Allele origin: germline.

UNC Molecular Genetics  Laboratory, University of North Carolina at Chapel Hill
Classification: Uncertain significance for Developmental and epileptic encephalopathy, 1. Last evaluated: 2021-06-29. Review status: criteria provided, single submitter. Criteria: ACMG Guidelines, 2015. Collection method: research. Allele origin: unknown. Observed: 1 variant allele. Study: CSER_NCGENES_2.
Comment: PACS2 c.1706G>A p.(Arg569Gln) is predicted to change a single amino acid in the encoded protein from an arginine to glutamine. To our knowledge, this variant has not been previously reported in affected individuals. This variant is observed in gnomAD v2.1.1 with a total minor allele frequency of 0.0016% (4 alleles/247,400 alleles, 0 homozygotes). Computational predictions and conservation analyses suggest that this variant may damage protein function. Given the available evidence, this variant is classified a variant of uncertain significance.

NM_001100913.3(PACS2):c.1706G>A (p.Arg569Gln)

Gene: PACS2 (phosphofurin acidic cluster sorting protein 2; plus strand). Cytogenetic location: 14q32.33.
Variant type: single nucleotide variant.
Coding change: c.1706G>A on transcript NM_001100913.3 (MANE Select); coding-DNA position 1706, G replaced by A.
Protein change: p.Arg569Gln; replaces arginine 569 with glutamine.
Molecular consequence: missense variant.
Genome position (GRCh38, 1-based): chr14:105,383,439, G>A. VCF-style: chr14-105383439-G-A. GRCh37 (hg19) VCF-style: chr14-105849776-G-A.
Other names: c.1469G>A, p.Arg490Gln (NM_001243127.3); c.1694G>A, p.Arg565Gln (NM_015197.4); short protein forms R490Q, R565Q, R569Q.
Identifiers: ClinVar variation 1712291 (VCV001712291.6), dbSNP rs1555412690, ClinGen allele CA391183779.